The following is an entry in ClinVar:

ClinVar aggregate classification (germline): Uncertain significance (1 of 4 stars; one submission).

gnomAD v4.1: 14 of 1,614,138 alleles (0.00087%); highest among the groups gnomAD compares: Non-Finnish European, 0.0011%; no homozygotes.

Submission:

Labcorp Genetics (formerly Invitae), Labcorp
Classification: Uncertain significance. Last evaluated: 2024-08-06. Review status: criteria provided, single submitter. Criteria: Invitae Variant Classification Sherloc (09022015). Collection method: clinical testing. Allele origin: germline.
Comment: This sequence change replaces histidine, which is basic and polar, with arginine, which is basic and polar, at codon 183 of the TRPC6 protein (p.His183Arg). This variant is present in population databases (rs748923301, gnomAD 0.0009%). This variant has not been reported in the literature in individuals affected with TRPC6-related conditions. Advanced modeling of protein sequence and biophysical properties (such as structural, functional, and spatial information, amino acid conservation, physicochemical variation, residue mobility, and thermodynamic stability) performed at Invitae indicates that this missense variant is not expected to disrupt TRPC6 protein function with a negative predictive value of 80%. In summary, the available evidence is currently insufficient to determine the role of this variant in disease. Therefore, it has been classified as a Variant of Uncertain Significance.

NM_004621.6(TRPC6):c.548A>G (p.His183Arg)

Gene: TRPC6 (transient receptor potential cation channel subfamily C member 6; minus strand). Cytogenetic location: 11q22.1.
Variant type: single nucleotide variant.
Coding change: c.548A>G on transcript NM_004621.6 (MANE Select); coding-DNA position 548, A replaced by G.
Protein change: p.His183Arg; replaces histidine 183 with arginine.
Molecular consequence: missense variant.
Genome position (GRCh38, 1-based): chr11:101,504,421, T>C on the plus strand (A>G on the coding strand, the complement: TRPC6 is on the minus strand). VCF-style: chr11-101504421-T-C. GRCh37 (hg19) VCF-style: chr11-101375152-T-C.
Other names: short protein forms H183R.
Identifiers: ClinVar variation 3680684 (VCV003680684.2).